The following is an entry in ClinVar:

ClinVar aggregate classification (germline): Uncertain significance (1 of 4 stars; one submission).

Submission:

Labcorp Genetics (formerly Invitae), Labcorp
Classification: Uncertain significance. Last evaluated: 2025-12-22. Review status: criteria provided, single submitter. Criteria: Invitae Variant Classification Sherloc (09022015). Collection method: clinical testing. Allele origin: germline.
Comment: This sequence change falls in intron 15 of the RIMS1 gene. It does not directly change the encoded amino acid sequence of the RIMS1 protein. It affects a nucleotide within the consensus splice site. This variant is not present in population databases (gnomAD no frequency). This variant has not been reported in the literature in individuals affected with RIMS1-related conditions. Variants that disrupt the consensus splice site are a relatively common cause of aberrant splicing (PMID: 17576681, 9536098). Algorithms developed to predict the effect of sequence changes on RNA splicing suggest that this variant may disrupt the consensus splice site. In summary, the available evidence is currently insufficient to determine the role of this variant in disease. Therefore, it has been classified as a Variant of Uncertain Significance.

Literature cited by the submitters: PubMed 17576681; PubMed 9536098.

NM_014989.7(RIMS1):c.2698+3A>G

Gene: RIMS1 (regulating synaptic membrane exocytosis 1; plus strand). Cytogenetic location: 6q13.
Variant type: single nucleotide variant.
Coding change: c.2698+3A>G on transcript NM_014989.7 (MANE Select); 3 bases into the intron after coding-DNA position 2698, A replaced by G.
Molecular consequence: intron variant.
Genome position (GRCh38, 1-based): chr6:72,251,371, A>G. VCF-style: chr6-72251371-A-G. GRCh37 (hg19) VCF-style: chr6-72961074-A-G.
Other names: c.1051+3A>G (NM_001350428.2, NM_001350459.2, NM_001350424.2 and 6 more transcripts); c.1120+3A>G (NM_001350458.2, NM_001350433.2, NM_001350446.2 and 37 more transcripts); c.877+3A>G (NM_001350469.2, NM_001168409.2, NM_001350466.2 and 6 more transcripts); c.1075+3A>G (NM_001350470.2, NM_001168410.2, NM_001350473.2 and 2 more transcripts).
Identifiers: ClinVar variation 4700217 (VCV004700217.1).